The following is an entry in ClinVar:

NM_012213.3(MLYCD):c.408C>G (p.Arg136=)

Gene: MLYCD (malonyl-CoA decarboxylase; plus strand). Cytogenetic location: 16q23.3.
Variant type: single nucleotide variant.
Coding change: c.408C>G on transcript NM_012213.3 (MANE Select); coding-DNA position 408, C replaced by G.
Protein change: p.Arg136=; no amino-acid change (arginine 136 retained).
Molecular consequence: synonymous variant.
Genome position (GRCh38, 1-based): chr16:83,899,552, C>G. VCF-style: chr16-83899552-C-G. GRCh37 (hg19) VCF-style: chr16-83933157-C-G.
Identifiers: ClinVar variation 384214 (VCV000384214.13), dbSNP rs183593320, ClinGen allele CA8197219.

ClinVar aggregate classification (germline): Benign/Likely benign. Review status: criteria provided, multiple submitters, no conflicts (2 of 4 stars). 4 submissions from 4 submitters: Benign (1); Likely benign (2). 1 of the submissions does not count toward it. Last evaluated 2025-12-18.

Conditions:
MLYCD-related disorder. Also called: MLYCD-related condition.
Deficiency of malonyl-CoA decarboxylase. Also called: Malonic aciduria; MCD deficiency. Identifiers: Orphanet 943, MedGen C0342793, MONDO:0009556, OMIM 248360.

Allele frequency attached by ClinVar (database versions not stated): ESP Exome Variant Server 0.00029; 1000 Genomes Project 30x 0.00078; 1000 Genomes Project 0.00100; gnomAD 0.00102 and 0.00108; TOPMed 0.00130.
gnomAD v4.1: 303 of 1,592,704 alleles (0.019%); highest among the groups gnomAD compares: African/African-American, 0.34%; no homozygotes.

Submissions (4):

Labcorp Genetics (formerly Invitae), Labcorp
Classification: Benign for Deficiency of malonyl-CoA decarboxylase. Last evaluated: 2025-12-18. Review status: criteria provided, single submitter. Criteria: Invitae Variant Classification Sherloc (09022015). Collection method: clinical testing. Allele origin: germline.

Blueprint Genetics
Classification: Likely benign. Last evaluated: 2024-02-23. Review status: criteria provided, single submitter. Criteria: ACMG Guidelines, 2015. Collection method: clinical testing. Allele origin: germline.

GeneDx
Classification: Likely benign. Last evaluated: 2017-09-11. Review status: criteria provided, single submitter. Criteria: GeneDx Variant Classification (06012015). Collection method: clinical testing. Allele origin: germline. Affected: yes.
Comment: This variant is considered likely benign or benign based on one or more of the following criteria: it is a conservative change, it occurs at a poorly conserved position in the protein, it is predicted to be benign by multiple in silico algorithms, and/or has population frequency not consistent with disease.

PreventionGenetics, part of Exact Sciences
Classification: Likely benign for MLYCD-related condition. Last evaluated: 2021-07-05. Review status: no assertion criteria provided. Collection method: clinical testing. Allele origin: germline. Not counted in ClinVar's aggregate classification.
Comment: This variant is classified as likely benign based on ACMG/AMP sequence variant interpretation guidelines (Richards et al. 2015 PMID: 25741868, with internal and published modifications).